The following is an entry in ClinVar:

NM_003906.5(MCM3AP):c.4451A>G (p.Lys1484Arg)

Genes: MCM3AP (minichromosome maintenance complex component 3 associated protein; minus strand), MCM3AP-AS1 (MCM3AP antisense RNA 1; plus strand). Cytogenetic location: 21q22.3.
Variant type: single nucleotide variant.
Coding change: c.4451A>G on transcript NM_003906.5 (MANE Select); coding-DNA position 4451, A replaced by G.
Protein change: p.Lys1484Arg; replaces lysine 1484 with arginine.
Molecular consequence: missense variant.
Genome position (GRCh38, 1-based): chr21:46,246,726, T>C on the plus strand (A>G on the coding strand, the complement: MCM3AP is on the minus strand). VCF-style: chr21-46246726-T-C. GRCh37 (hg19) VCF-style: chr21-47666640-T-C.
Other names: c.4451A>G (NM_003906.3); short protein forms K1484R.
Identifiers: ClinVar variation 1424473 (VCV001424473.6), dbSNP rs200215734, ClinGen allele CA10076121.

ClinVar aggregate classification (germline): Uncertain significance. Review status: criteria provided, multiple submitters, no conflicts (2 of 4 stars). 2 submissions from 2 submitters: Uncertain significance (2). Last evaluated 2023-02-07.

Conditions:
Inborn genetic diseases. Identifiers: MedGen C0950123, MeSH D030342.

Allele frequency attached by ClinVar (database versions not stated): gnomAD 0.00001; TOPMed 0.00001.

Submissions (2):

Ambry Genetics
Classification: Uncertain significance for Inborn genetic diseases. Last evaluated: 2023-02-07. Review status: criteria provided, single submitter. Criteria: Ambry Variant Classification Scheme 2023. Collection method: clinical testing. Allele origin: germline.

Labcorp Genetics (formerly Invitae), Labcorp
Classification: Uncertain significance. Last evaluated: 2022-06-13. Review status: criteria provided, single submitter. Criteria: Invitae Variant Classification Sherloc (09022015). Collection method: clinical testing. Allele origin: germline.
Comment: This sequence change replaces lysine, which is basic and polar, with arginine, which is basic and polar, at codon 1484 of the MCM3AP protein (p.Lys1484Arg). This variant is present in population databases (rs200215734, gnomAD 0.003%). This variant has not been reported in the literature in individuals affected with MCM3AP-related conditions. Algorithms developed to predict the effect of missense changes on protein structure and function (SIFT, PolyPhen-2, Align-GVGD) all suggest that this variant is likely to be tolerated. In summary, the available evidence is currently insufficient to determine the role of this variant in disease. Therefore, it has been classified as a Variant of Uncertain Significance.